The following is an entry in ClinVar:

NM_054012.4(ASS1):c.299G>A (p.Arg100His)

Gene: ASS1 (argininosuccinate synthase 1; plus strand). Cytogenetic location: 9q34.11.
Variant type: single nucleotide variant.
Coding change: c.299G>A on transcript NM_054012.4 (MANE Select); coding-DNA position 299, G replaced by A.
Protein change: p.Arg100His; replaces arginine 100 with histidine.
Molecular consequence: missense variant.
Genome position (GRCh38, 1-based): chr9:130,458,525, G>A. VCF-style: chr9-130458525-G-A. GRCh37 (hg19) VCF-style: chr9-133333912-G-A.
Other names: c.299G>A, p.Arg100His (NM_000050.4); short protein forms R100H.
Identifiers: ClinVar variation 439417 (VCV000439417.24), dbSNP rs138279074, ClinGen allele CA5283219.

ClinVar aggregate classification (germline): Uncertain significance. Review status: criteria provided, multiple submitters, no conflicts (2 of 4 stars). 10 submissions from 10 submitters: Uncertain significance (8). 2 of the submissions do not count toward it. Last evaluated 2025-09-05.

Conditions:
ASS1-related disorder. Also called: ASS1-related condition.
Citrullinemia. Identifiers: Orphanet 187, MedGen C0175683, MONDO:0015991.
Inborn genetic diseases. Identifiers: MedGen C0950123, MeSH D030342.
Citrullinemia type I (CTNL1). Also called: ASS DEFICIENCY; argininosuccinate synthetase deficiency. Identifiers: Orphanet 247525, MedGen C4721769, MONDO:0008988, OMIM 215700.

Allele frequency attached by ClinVar (database versions not stated): gnomAD exomes 0.00015 and 0.00018; ExAC 0.00016; gnomAD 0.00017 and 0.00019; ESP Exome Variant Server 0.00023; TOPMed 0.00029; 1000 Genomes Project 30x 0.00031; 1000 Genomes Project 0.00040.
gnomAD v4.1: 255 of 1,613,208 alleles (0.016%); highest among the groups gnomAD compares: Admixed American, 0.057%; no homozygotes.

Submissions (10):

GeneDx
Classification: Uncertain significance. Last evaluated: 2025-09-05. Review status: criteria provided, single submitter. Criteria: GeneDx Variant Classification Process June 2021. Collection method: clinical testing. Allele origin: germline. Affected: yes.
Comment: Reported in an individuals with elevated citrulline who was also heterozygous for additional variants in ASS1 (PMID: 28111830); In silico analysis supports that this missense variant has a deleterious effect on protein structure/function; This variant is associated with the following publications: (PMID: 30285816, 34426522, 31469252, 37443404, 28111830)

PreventionGenetics, part of Exact Sciences
Classification: Uncertain significance for ASS1-related condition. Last evaluated: 2025-03-15. Review status: criteria provided, single submitter. Criteria: ACMG Guidelines, 2015. Collection method: clinical testing. Allele origin: germline.
Comment: The ASS1 c.299G>A variant is predicted to result in the amino acid substitution p.Arg100His. This variant has been reported along with a second variant in at least three individuals with mild citrullinemia (Suppl. Table S1, Diez-Fernandez et al. 2017. PubMed ID: 28111830; Shum et al. 2023. PubMed ID: 37443404). In one individual, this variant was found along with two compound heterozygous causative variants, lessening the likelihood of p.Arg100His as a contributing factor to the individual's phenotype (Diez-Fernandez et al. 2017. PubMed ID: 28111830). A biallelic functional expression study of c.299G>A and a second causative variant showed the reduced residual activity of ~55% of wild type (Supplemental Data, Zielonka et al. 2019. PubMed ID: 31469252). This variant is reported in 46 alleles out of 281682 alleles in gnomAD. At this time, the clinical significance of this variant is uncertain due to the absence of conclusive functional and genetic evidence.

Women's Health and Genetics/Laboratory Corporation of America, LabCorp
Classification: Uncertain significance. Last evaluated: 2024-10-14. Review status: criteria provided, single submitter. Criteria: LabCorp Variant Classification Summary - May 2015. Collection method: clinical testing. Allele origin: germline.
Comment: Variant summary: ASS1 c.299G>A (p.Arg100His) results in a non-conservative amino acid change located in the Arginosuccinate synthase-like, N-terminal domain (IPR048267) of the encoded protein sequence. Four of five in-silico tools predict a damaging effect of the variant on protein function. The variant allele was found at a frequency of 0.00018 in 250286 control chromosomes (gnomAD). This frequency is not significantly higher than estimated for a pathogenic variant in ASS1 causing Citrullinemia Type I (0.00018 vs 0.0041), allowing no conclusion about variant significance. c.299G>A has been reported in the literature in individuals affected with Citrullinemia Type I (Diez-Fernandez_2017, Bijarnia-Mahay_2018, Zielonka_2019, Shum_2023). These data indicate that the variant may be associated with disease. At least one publication reports experimental evidence evaluating an impact on protein function using a biallelic expression system where the variant was expressed together with a pathogenic variant (Zielonka_2019), however, this does not allow convincing conclusions about the variant effect in isolation. The following publications have been ascertained in the context of this evaluation (PMID: 28111830, 30285816, 31469252, 37443404). ClinVar contains an entry for this variant (Variation ID: 439417). Based on the evidence outlined above, the variant was classified as VUS-possibly pathogenic.

Labcorp Genetics (formerly Invitae), Labcorp
Classification: Uncertain significance for Citrullinemia. Last evaluated: 2022-10-13. Review status: criteria provided, single submitter. Criteria: Invitae Variant Classification Sherloc (09022015). Collection method: clinical testing. Allele origin: germline.
Comment: This sequence change replaces arginine, which is basic and polar, with histidine, which is basic and polar, at codon 100 of the ASS1 protein (p.Arg100His). This variant is present in population databases (rs138279074, gnomAD 0.04%). This missense change has been observed in individual(s) with citrullinemia type 1 (PMID: 28111830, 30285816, 31469252). ClinVar contains an entry for this variant (Variation ID: 439417). Advanced modeling of protein sequence and biophysical properties (such as structural, functional, and spatial information, amino acid conservation, physicochemical variation, residue mobility, and thermodynamic stability) performed at Invitae indicates that this missense variant is not expected to disrupt ASS1 protein function. This variant disrupts the p.Arg100 amino acid residue in ASS1. Other variant(s) that disrupt this residue have been observed in individuals with ASS1-related conditions (PMID: 28111830), which suggests that this may be a clinically significant amino acid residue. In summary, the available evidence is currently insufficient to determine the role of this variant in disease. Therefore, it has been classified as a Variant of Uncertain Significance.

Ambry Genetics
Classification: Uncertain significance for Inborn genetic diseases. Last evaluated: 2021-11-04. Review status: criteria provided, single submitter. Criteria: Ambry Variant Classification Scheme 2023. Collection method: clinical testing. Allele origin: germline.
Comment: (Bijarnia-Mahay, 2018) Based on insufficient or conflicting evidence, the clinical significance of this alteration remains unclear.

Fulgent Genetics
Classification: Uncertain significance for Citrullinemia type I. Last evaluated: 2018-10-31. Review status: criteria provided, single submitter. Criteria: ACMG Guidelines, 2015. Collection method: clinical testing. Allele origin: unknown.

Illumina Laboratory Services, Illumina
Classification: Uncertain significance for Citrullinemia type I. Last evaluated: 2017-07-05. Review status: criteria provided, single submitter. Criteria: ICSL Variant Classification Criteria 13 December 2019. Collection method: clinical testing. Allele origin: germline.
Comment: This variant was observed as part of a predisposition screen in an ostensibly healthy population. A literature search was performed for the gene, cDNA change, and amino acid change (where applicable). Publications were found based on this search. However, the evidence from the literature, in combination with allele frequency data from public databases where available, was not sufficient to rule this variant in or out of causing disease. Therefore, this variant is classified as a variant of unknown significance.

ARUP Laboratories, Molecular Genetics and Genomics, ARUP Laboratories
Classification: Uncertain significance. Last evaluated: 2017-05-02. Review status: criteria provided, single submitter. Criteria: ARUP Molecular Germline Variant Investigation Process. Collection method: clinical testing. Allele origin: germline.
Comment: The p.Arg100His variant (rs138279074) has not been reported in the medical literature, nor is it listed in gene-specific variant databases. It is listed in the Genome Aggregation Database (gnomAD) browser with an overall frequency of 0.017% (identified in 46 out of 276,470 chromosomes). The arginine at codon 100 is moderately conserved considering 12 species (Alamut software v2.8.1), and computational analyses suggest this variant does not have a significant effect on ASS1 protein structure/function (SIFT: tolerated and PolyPhen2: benign). However, based on the available information, the clinical significance of the p.Arg100His variant cannot be determined with certainty.

Natera, Inc.
Classification: Uncertain significance for Citrullinemia type I. Last evaluated: 2020-09-16. Review status: no assertion criteria provided. Collection method: clinical testing. Allele origin: germline. Not counted in ClinVar's aggregate classification.

Counsyl
Classification: Uncertain significance for Citrullinemia type I. Last evaluated: 2017-10-02. Review status: no assertion criteria provided. Collection method: clinical testing. Allele origin: unknown. Not counted in ClinVar's aggregate classification.

Literature cited by the submitters: PubMed 28111830 (cited by 4 submitters); PubMed 30285816 (cited by 3 submitters); PubMed 31469252 (cited by Women's Health and Genetics/Laboratory Corporation of America, LabCorp and Labcorp Genetics (formerly Invitae), Labcorp); PubMed 37443404 (cited by Women's Health and Genetics/Laboratory Corporation of America, LabCorp).